The following is an entry in ClinVar:

ClinVar aggregate classification (germline): Uncertain significance. Review status: criteria provided, multiple submitters, no conflicts (2 of 4 stars). 2 submissions from 2 submitters: Uncertain significance (2). Last evaluated 2025-02-07.

Conditions:
Developmental and epileptic encephalopathy, 1 (DEE1). Also called: X-linked infantile spasms; West's syndrome; Tonic spasms with clustering, arrest of psychomotor development and hypsarrhythmia on EEG; X-Linked Infantile Spasm Syndrome; OHTAHARA SYNDROME, X-LINKED; INFANTILE SPASM SYNDROME, X-LINKED 1. Identifiers: MedGen C3463992, MONDO:0010632, OMIM 308350. Disease mechanism: loss of function.
Intellectual disability, X-linked, with or without seizures, ARX-related. Also called: Mental retardation, X-linked 52; MENTAL RETARDATION, X-LINKED 29; MENTAL RETARDATION, X-LINKED 32; MENTAL RETARDATION, X-LINKED 33; MENTAL RETARDATION, X-LINKED 38; MENTAL RETARDATION, X-LINKED 43. Identifiers: Orphanet 777, MedGen C0796244, MONDO:0010317, OMIM 300419.

Allele frequency attached by ClinVar (database versions not stated): TOPMed below 0.00001.

Submissions (2):

Women's Health and Genetics/Laboratory Corporation of America, LabCorp
Classification: Uncertain significance. Last evaluated: 2025-02-07. Review status: criteria provided, single submitter. Criteria: LabCorp Variant Classification Summary - May 2015. Collection method: clinical testing. Allele origin: germline.
Comment: Variant summary: ARX c.1568C>T (p.Ala523Val) results in a non-conservative amino acid change in the encoded protein sequence. Four of five in-silico tools predict a benign effect of the variant on protein function. The frequency data for this variant in gnomAD is considered unreliable, as metrics indicate poor data quality at this position. To our knowledge, no occurrence of c.1568C>T in individuals affected with AXR-Related Disorder and no experimental evidence demonstrating its impact on protein function have been reported. ClinVar contains an entry for this variant (Variation ID: 2943591). Based on the evidence outlined above, the variant was classified as uncertain significance.

Labcorp Genetics (formerly Invitae), Labcorp
Classification: Uncertain significance for Developmental and epileptic encephalopathy, 1; Intellectual disability, X-linked, with or without seizures, ARX-related. Last evaluated: 2023-11-10. Review status: criteria provided, single submitter. Criteria: Invitae Variant Classification Sherloc (09022015). Collection method: clinical testing. Allele origin: germline.
Comment: This sequence change replaces alanine, which is neutral and non-polar, with valine, which is neutral and non-polar, at codon 523 of the ARX protein (p.Ala523Val). This variant is not present in population databases (gnomAD no frequency). This variant has not been reported in the literature in individuals affected with ARX-related conditions. Advanced modeling of protein sequence and biophysical properties (such as structural, functional, and spatial information, amino acid conservation, physicochemical variation, residue mobility, and thermodynamic stability) performed at Invitae indicates that this missense variant is not expected to disrupt ARX protein function with a negative predictive value of 80%. In summary, the available evidence is currently insufficient to determine the role of this variant in disease. Therefore, it has been classified as a Variant of Uncertain Significance.

NM_139058.3(ARX):c.1568C>T (p.Ala523Val)

Gene: ARX (aristaless related homeobox; minus strand). Cytogenetic location: Xp21.3.
Variant type: single nucleotide variant.
Coding change: c.1568C>T on transcript NM_139058.3 (MANE Select); coding-DNA position 1568, C replaced by T.
Protein change: p.Ala523Val; replaces alanine 523 with valine.
Molecular consequence: missense variant.
Genome position (GRCh38, 1-based): chrX:25,004,791, G>A on the plus strand (C>T on the coding strand, the complement: ARX is on the minus strand). VCF-style: chrX-25004791-G-A. GRCh37 (hg19) VCF-style: chrX-25022908-G-A.
Other names: short protein forms A523V.
Identifiers: ClinVar variation 2943591 (VCV002943591.5), dbSNP rs1315081166, ClinGen allele CA412610742.